The following is an entry in ClinVar:

ClinVar aggregate classification (germline): Uncertain significance (1 of 4 stars; one submission).

gnomAD v4.1: 1 of 1,551,686 alleles (0.000064%); highest among the groups gnomAD compares: Non-Finnish European, 0.000087%; no homozygotes.

Submission:

Labcorp Genetics (formerly Invitae), Labcorp
Classification: Uncertain significance. Last evaluated: 2025-09-06. Review status: criteria provided, single submitter. Criteria: Invitae Variant Classification Sherloc (09022015). Collection method: clinical testing. Allele origin: germline.
Comment: This sequence change replaces glycine, which is neutral and non-polar, with cysteine, which is neutral and slightly polar, at codon 13 of the SLC51B protein (p.Gly13Cys). This variant is not present in population databases (gnomAD no frequency). This variant has not been reported in the literature in individuals affected with SLC51B-related conditions. An algorithm developed to predict the effect of missense changes on protein structure and function (PolyPhen-2) suggests that this variant is likely to be disruptive. In summary, the available evidence is currently insufficient to determine the role of this variant in disease. Therefore, it has been classified as a Variant of Uncertain Significance.

NM_178859.4(SLC51B):c.37G>T (p.Gly13Cys)

Genes: RASL12 (RAS like family 12; minus strand), SLC51B (SLC51 subunit beta; plus strand). Cytogenetic location: 15q22.31.
Variant type: single nucleotide variant.
Coding change: c.37G>T on transcript NM_178859.4 (MANE Select); coding-DNA position 37, G replaced by T.
Protein change: p.Gly13Cys; replaces glycine 13 with cysteine.
Molecular consequence: missense variant.
Genome position (GRCh38, 1-based): chr15:65,050,041, G>T. VCF-style: chr15-65050041-G-T. GRCh37 (hg19) VCF-style: chr15-65342379-G-T.
Other names: short protein forms G13C.
Identifiers: ClinVar variation 4748405 (VCV004748405.1).
Genomic context (GRCh38, chr15:65,050,041, plus strand): 5'-GCACACGCTACCAGGAGCAGGGGCATGGAGCACAGTGAGGGGGCTCCCGGAGACCCAGCC[G>T]GTACTGTGGTACCCCAGGAGCTGCTGGAAGAGATGCTTTGGTTTTTTCGTGTGGAAGATG-3'
Protein context (NP_849190.2, residues 3-23): HSEGAPGDPA[Gly13Cys]TVVPQELLEE